The following is an entry in ClinVar:

ClinVar aggregate classification (germline): Conflicting classifications of pathogenicity. Review status: criteria provided, conflicting classifications (1 of 4 stars). 6 submissions from 6 submitters: Uncertain significance (2); Benign (2); Likely benign (2). Last evaluated 2026-01-28.

Conditions:
Cockayne syndrome type 1. Also called: Cockayne syndrome type I; Cockayne syndrome classical; Cockayne syndrome classic form. Identifiers: Orphanet 191, Orphanet 90321, MedGen C0751039, MONDO:0019569, OMIM 216400.

Allele frequency attached by ClinVar (database versions not stated): 1000 Genomes Project 30x 0.00016; 1000 Genomes Project 0.00020; ESP Exome Variant Server 0.00077; gnomAD 0.00089 and 0.00090; TOPMed 0.00097; ExAC 0.00101; gnomAD exomes 0.00109 and 0.00126.
gnomAD v4.1: 1,994 of 1,613,934 alleles (0.12%); highest among the groups gnomAD compares: Middle Eastern, 0.23%; 4 homozygotes.

Submissions (6):

Labcorp Genetics (formerly Invitae), Labcorp
Classification: Benign. Last evaluated: 2026-01-28. Review status: criteria provided, single submitter. Criteria: Invitae Variant Classification Sherloc (09022015). Collection method: clinical testing. Allele origin: germline.

Blueprint Genetics
Classification: Likely benign. Last evaluated: 2024-11-14. Review status: criteria provided, single submitter. Criteria: ACMG Guidelines, 2015. Collection method: clinical testing. Allele origin: germline.

CeGaT Center for Human Genetics Tuebingen
Classification: Likely benign. Last evaluated: 2024-07-01. Review status: criteria provided, single submitter. Criteria: CeGaT Center For Human Genetics Tuebingen Variant Classification Criteria Version 2. Collection method: clinical testing. Allele origin: germline. Affected: yes. Observed: 1 variant allele.
Comment: ERCC8: BP4, BS2

Mayo Clinic Laboratories, Mayo Clinic
Classification: Benign. Last evaluated: 2024-02-12. Review status: criteria provided, single submitter. Criteria: ACMG Guidelines, 2015. Collection method: clinical testing. Allele origin: germline. Observed: 11 variant alleles.
Comment: BS1, BS2, BP4, BP7

Illumina Laboratory Services, Illumina
Classification: Uncertain significance for Cockayne syndrome type 1. Last evaluated: 2018-01-13. Review status: criteria provided, single submitter. Criteria: ICSL Variant Classification Criteria 13 December 2019. Collection method: clinical testing. Allele origin: germline.

Eurofins Ntd Llc (ga)
Classification: Uncertain significance. Last evaluated: 2017-08-29. Review status: criteria provided, single submitter. Criteria: EGL Classification Definitions 2015. Collection method: clinical testing. Allele origin: germline. Observed: 1 variant allele, 1 heterozygote.

NM_000082.4(ERCC8):c.66G>A (p.Glu22=)

Gene: ERCC8 (ERCC excision repair 8, CSA ubiquitin ligase complex subunit; minus strand). Cytogenetic location: 5q12.1.
Variant type: single nucleotide variant.
Coding change: c.66G>A on transcript NM_000082.4 (MANE Select); coding-DNA position 66, G replaced by A.
Protein change: p.Glu22=; no amino-acid change (glutamic acid 22 retained).
Molecular consequence: synonymous variant. On other transcripts: 5 prime UTR variant (2).
Genome position (GRCh38, 1-based): chr5:60,944,943, C>T on the plus strand (G>A on the coding strand, the complement: ERCC8 is on the minus strand). VCF-style: chr5-60944943-C-T. GRCh37 (hg19) VCF-style: chr5-60240770-C-T.
Other names: p.Glu22=; c.-327G>A (NM_001007233.3); c.66G>A, p.Glu22= (NM_001007234.3); c.-312G>A (NM_001290285.2).
Identifiers: ClinVar variation 354023 (VCV000354023.41), dbSNP rs149130938, ClinGen allele CA3277978.
Genomic context (GRCh38, chr5:60,944,943, plus strand): 5'-GGTCCAGATTCTAACTGGCCTGTTAGCCAAAAAGTAAGGTTTTCTTTACCTCCGTGTTGA[C>T]TCTGCTCTCCGAAGGCGAAGAGGGTCCTCCAAACCCGTTTGGCGTGCGGACAAAAACCCC-3'
Protein context (NP_000073.1, residues 12-32): LEDPLRLRRA[Glu22=]STRRVLGLEL